The following is an entry in ClinVar:

NM_024675.4(PALB2):c.661_662del (p.Val221fs)

Gene: PALB2 (partner and localizer of BRCA2; minus strand). Cytogenetic location: 16p12.2.
Variant type: Microsatellite.
Coding change: c.661_662del on transcript NM_024675.4 (MANE Select); coding-DNA positions 661 to 662, 2 bases deleted (GT; older notation c.661_662delGT).
Protein change: p.Val221fs; shifts the reading frame from valine 221.
Molecular consequence: frameshift variant. On other transcripts: 5 prime UTR variant (8), intron variant (3).
Genome position (GRCh38, 1-based): chr16:23,635,884-23,635,885, AC deleted on the plus strand (GT on the coding strand, the reverse complement: PALB2 is on the minus strand); deleting any 2 consecutive bases within chr16:23,635,884-23,635,887 gives the same sequence; the c. name uses the placement nearest the transcript's 3' end. VCF-style (leftmost placement, unchanged base first): chr16-23635883-TAC-T. GRCh37 (hg19) VCF-style: chr16-23647204-TAC-T.
Other names: c.601_602del, p.Val201fs (NM_001407296.1); c.661_662del, p.Val221fs (NM_001407297.1, NM_001407298.1, NM_001407299.1 and 3 more transcripts); c.-227GT[1] (NM_001407304.1, NM_001407305.1, NM_001407306.1 and 5 more transcripts); c.48+5225_48+5226del (NM_001407314.1); c.-105+5225_-105+5226del (NM_001407313.1, NM_001407312.1); short protein forms V201fs, V221fs.
Identifiers: ClinVar variation 2773111 (VCV002773111.3), dbSNP rs2506503909, ClinGen allele CA2697555749.

ClinVar aggregate classification (germline): Pathogenic (1 of 4 stars; one submission).

Conditions:
Familial cancer of breast. Also called: hereditary breast carcinoma; BREAST CANCER, FAMILIAL; Hereditary breast cancer. Identifiers: Orphanet 227535, MedGen C0346153, MONDO:0016419, OMIM 114480. Disease mechanism: loss of function.

Submission:

Labcorp Genetics (formerly Invitae), Labcorp
Classification: Pathogenic for Familial cancer of breast. Last evaluated: 2023-11-01. Review status: criteria provided, single submitter. Criteria: Invitae Variant Classification Sherloc (09022015). Collection method: clinical testing. Allele origin: germline.
Comment: This sequence change creates a premature translational stop signal (p.Val221Ilefs*13) in the PALB2 gene. It is expected to result in an absent or disrupted protein product. Loss-of-function variants in PALB2 are known to be pathogenic (PMID: 17200668, 17200671, 17200672, 24136930, 25099575). This variant is not present in population databases (gnomAD no frequency). This variant has not been reported in the literature in individuals affected with PALB2-related conditions. For these reasons, this variant has been classified as Pathogenic.

Literature cited by the submitters: PubMed 17200668; PubMed 17200671; PubMed 17200672; PubMed 24136930; PubMed 25099575.